The following is an entry in ClinVar:

NM_001083926.2(ASRGL1):c.37G>A (p.Gly13Ser)

Gene: ASRGL1 (asparaginase and isoaspartyl peptidase 1; plus strand). Cytogenetic location: 11q12.3.
Variant type: single nucleotide variant.
Coding change: c.37G>A on transcript NM_001083926.2 (MANE Select); coding-DNA position 37, G replaced by A.
Protein change: p.Gly13Ser; replaces glycine 13 with serine.
Molecular consequence: missense variant.
Genome position (GRCh38, 1-based): chr11:62,338,014, G>A. VCF-style: chr11-62338014-G-A. GRCh37 (hg19) VCF-style: chr11-62105486-G-A.
Other names: c.37G>A, p.Gly13Ser (NM_025080.4); short protein forms G13S.
Identifiers: ClinVar variation 1404484 (VCV001404484.8), dbSNP rs746830715, ClinGen allele CA222996770.

ClinVar aggregate classification (germline): Uncertain significance (1 of 4 stars; one submission).

Allele frequency attached by ClinVar (database versions not stated): gnomAD exomes below 0.00001; gnomAD 0.00001.
gnomAD v4.1: 3 of 1,606,490 alleles (0.00019%); highest among the groups gnomAD compares: Admixed American, 0.0034%; no homozygotes.

Submission:

Labcorp Genetics (formerly Invitae), Labcorp
Classification: Uncertain significance. Last evaluated: 2021-01-19. Review status: criteria provided, single submitter. Criteria: Invitae Variant Classification Sherloc (09022015). Collection method: clinical testing. Allele origin: germline.
Comment: This sequence change replaces glycine with serine at codon 13 of the ASRGL1 protein (p.Gly13Ser). The glycine residue is moderately conserved and there is a small physicochemical difference between glycine and serine. This variant is not present in population databases (ExAC no frequency). This variant has not been reported in the literature in individuals with ASRGL1-related conditions. Algorithms developed to predict the effect of missense changes on protein structure and function output the following: SIFT: "Tolerated"; PolyPhen-2: "Benign"; Align-GVGD: "Class C0". The serine amino acid residue is found in multiple mammalian species, suggesting that this missense change does not adversely affect protein function. These predictions have not been confirmed by published functional studies and their clinical significance is uncertain. In summary, the available evidence is currently insufficient to determine the role of this variant in disease. Therefore, it has been classified as a Variant of Uncertain Significance.